The following is an entry in ClinVar:

NM_001036.6(RYR3):c.12055G>A (p.Glu4019Lys)

Gene: RYR3 (ryanodine receptor 3; plus strand). Cytogenetic location: 15q14.
Variant type: single nucleotide variant.
Coding change: c.12055G>A on transcript NM_001036.6 (MANE Select); coding-DNA position 12055, G replaced by A.
Protein change: p.Glu4019Lys; replaces glutamic acid 4019 with lysine.
Molecular consequence: missense variant.
Genome position (GRCh38, 1-based): chr15:33,838,035, G>A. VCF-style: chr15-33838035-G-A. GRCh37 (hg19) VCF-style: chr15-34130236-G-A.
Other names: c.12040G>A, p.Glu4014Lys (NM_001243996.4); short protein forms E4014K, E4019K.
Identifiers: ClinVar variation 948607 (VCV000948607.9), dbSNP rs1322987678, ClinGen allele CA391593546.

ClinVar aggregate classification (germline): Uncertain significance (1 of 4 stars; one submission).

Conditions:
Epileptic encephalopathy. Identifiers: MedGen C0543888, HP:0200134.

Allele frequency attached by ClinVar (database versions not stated): TOPMed below 0.00001; gnomAD 0.00001; gnomAD exomes 0.00001.
gnomAD v4.1: 47 of 1,613,896 alleles (0.0029%); highest among the groups gnomAD compares: Non-Finnish European, 0.0039%; no homozygotes.

Submission:

Labcorp Genetics (formerly Invitae), Labcorp
Classification: Uncertain significance for Epileptic encephalopathy. Last evaluated: 2019-07-06. Review status: criteria provided, single submitter. Criteria: Invitae Variant Classification Sherloc (09022015). Collection method: clinical testing. Allele origin: germline.
Comment: Algorithms developed to predict the effect of missense changes on protein structure and function are either unavailable or do not agree on the potential impact of this missense change (SIFT: "Deleterious"; PolyPhen-2: "Benign"; Align-GVGD: "Class C0"). In summary, the available evidence is currently insufficient to determine the role of this variant in disease. Therefore, it has been classified as a Variant of Uncertain Significance. This variant has not been reported in the literature in individuals with RYR3-related conditions. This sequence change replaces glutamic acid with lysine at codon 4019 of the RYR3 protein (p.Glu4019Lys). The glutamic acid residue is highly conserved and there is a small physicochemical difference between glutamic acid and lysine. This variant is not present in population databases (ExAC no frequency).